The following is an entry in ClinVar:

NM_052947.4(ALPK2):c.192T>G (p.Phe64Leu)

Gene: ALPK2 (alpha kinase 2; minus strand). Cytogenetic location: 18q21.32.
Variant type: single nucleotide variant.
Coding change: c.192T>G on transcript NM_052947.4 (MANE Select); coding-DNA position 192, T replaced by G.
Protein change: p.Phe64Leu; replaces phenylalanine 64 with leucine.
Molecular consequence: missense variant.
Genome position (GRCh38, 1-based): chr18:58,607,357, A>C on the plus strand (T>G on the coding strand, the complement: ALPK2 is on the minus strand). VCF-style: chr18-58607357-A-C. GRCh37 (hg19) VCF-style: chr18-56274589-A-C.
Other names: short protein forms F64L.
Identifiers: ClinVar variation 1782868 (VCV001782868.2), dbSNP rs1174952580, ClinGen allele CA402555831.
Genomic context (GRCh38, chr18:58,607,357, plus strand): 5'-AGTCCACAGGGGTATAGCCACTTACCAAGAGAGATGTAACACATGAATATACTGATTCTC[A>C]AAGAATTCATAGTTGGAAATAATGCCACTCCCATCGATGGCCTGACCATTCTTATACCAA-3'
Protein context (NP_443179.3, residues 54-74): GSGIISNYEF[Phe64Leu]ENQYIHVLHL

ClinVar aggregate classification (germline): Uncertain significance (1 of 4 stars; one submission).

Allele frequency attached by ClinVar (database versions not stated): TOPMed 0.00001.

Submission:

Ambry Genetics
Classification: Uncertain significance. Last evaluated: 2021-08-04. Review status: criteria provided, single submitter. Criteria: Ambry Variant Classification Scheme 2023. Collection method: clinical testing. Allele origin: germline.
Comment: The p.F64L variant (also known as c.192T>G), located in coding exon 2 of the ALPK2 gene, results from a T to G substitution at nucleotide position 192. The phenylalanine at codon 64 is replaced by leucine, an amino acid with highly similar properties. This amino acid position is conserved. In addition, this alteration is predicted to be tolerated by in silico analysis. Since supporting evidence is limited at this time, the clinical significance of this alteration remains unclear.